The following is an entry in ClinVar:

NM_003482.4(KMT2D):c.12110C>A (p.Ala4037Asp)

Gene: KMT2D (lysine methyltransferase 2D; minus strand). Cytogenetic location: 12q13.12.
Variant type: single nucleotide variant.
Coding change: c.12110C>A on transcript NM_003482.4 (MANE Select); coding-DNA position 12110, C replaced by A.
Protein change: p.Ala4037Asp; replaces alanine 4037 with aspartic acid.
Molecular consequence: missense variant.
Genome position (GRCh38, 1-based): chr12:49,032,595, G>T on the plus strand (C>A on the coding strand, the complement: KMT2D is on the minus strand). VCF-style: chr12-49032595-G-T. GRCh37 (hg19) VCF-style: chr12-49426378-G-T.
Other names: short protein forms A4037D.
Identifiers: ClinVar variation 4801200 (VCV004801200.1).

ClinVar aggregate classification (germline): Uncertain significance (1 of 4 stars; one submission).

Conditions:
Kabuki syndrome. Also called: NIIKAWA-KUROKI SYNDROME; Kabuki make-up syndrome. Identifiers: Orphanet 2322, MedGen C0796004, MONDO:0016512.

Submission:

Labcorp Genetics (formerly Invitae), Labcorp
Classification: Uncertain significance for Kabuki syndrome. Last evaluated: 2025-09-30. Review status: criteria provided, single submitter. Criteria: Invitae Variant Classification Sherloc (09022015). Collection method: clinical testing. Allele origin: germline.
Comment: This sequence change replaces alanine, which is neutral and non-polar, with aspartic acid, which is acidic and polar, at codon 4037 of the KMT2D protein (p.Ala4037Asp). This variant is not present in population databases (gnomAD no frequency). This variant has not been reported in the literature in individuals affected with KMT2D-related conditions. Invitae Evidence Modeling of protein sequence and biophysical properties (such as structural, functional, and spatial information, amino acid conservation, physicochemical variation, residue mobility, and thermodynamic stability) indicates that this missense variant is not expected to disrupt KMT2D protein function with a negative predictive value of 95%. In summary, the available evidence is currently insufficient to determine the role of this variant in disease. Therefore, it has been classified as a Variant of Uncertain Significance.